The following is an entry in ClinVar:

ClinVar aggregate classification (germline): Conflicting classifications of pathogenicity. Review status: criteria provided, conflicting classifications (1 of 4 stars). 4 submissions from 4 submitters: Likely pathogenic (1); Uncertain significance (3). Last evaluated 2025-12-09.

Conditions:
Proteasome-associated autoinflammatory syndrome 2. Identifiers: MedGen C4747989, MONDO:0054700, OMIM 618048.

Allele frequency attached by ClinVar (database versions not stated): gnomAD exomes below 0.00001.
gnomAD v4.1: 5 of 1,600,970 alleles (0.00031%); highest among the groups gnomAD compares: Non-Finnish European, 0.00043%; no homozygotes.

Submissions (4):

Labcorp Genetics (formerly Invitae), Labcorp
Classification: Uncertain significance. Last evaluated: 2025-12-09. Review status: criteria provided, single submitter. Criteria: Invitae Variant Classification Sherloc (09022015). Collection method: clinical testing. Allele origin: germline.
Comment: This sequence change affects an acceptor splice site in intron 4 of the POMP gene. It is expected to disrupt RNA splicing. Variants that disrupt the donor or acceptor splice site typically lead to a loss of protein function (PMID: 16199547), however the current clinical and genetic evidence is not sufficient to establish whether loss-of-function variants in POMP cause disease. This variant is not present in population databases (gnomAD no frequency). This variant has not been reported in the literature in individuals affected with POMP-related conditions. ClinVar contains an entry for this variant (Variation ID: 1685031). Algorithms developed to predict the effect of sequence changes on RNA splicing suggest that this variant may disrupt the consensus splice site. In summary, the available evidence is currently insufficient to determine the role of this variant in disease. Therefore, it has been classified as a Variant of Uncertain Significance.

3billion
Classification: Likely pathogenic for Proteasome-associated autoinflammatory syndrome 2. Last evaluated: 2025-12-03. Review status: criteria provided, single submitter. Criteria: ACMG Guidelines, 2015. Collection method: clinical testing. Allele origin: germline. Affected: yes.
Comment: The variant is observed at an extremely low frequency in the gnomAD v4.1.0 dataset (total allele frequency: <0.001%). Predicted Consequence/Location: Canonical splice site: predicted to alter splicing and result in a loss or disruption of normal protein function. Multiple pathogenic loss-of-function variants are reported downstream of the variant. In silico tools predict the variant to alter splicing and produce an abnormal transcript [SpliceAI: 0.99 (spliceogenicity >=0.2, non-spliceogenicity <0.1)]. The variant has been reported as of uncertain significance (ClinVar ID: VCV001685031). Therefore, this variant is classified as Likely pathogenic according to the recommendation of ACMG/AMP guideline.

Dasa
Classification: Uncertain significance. Last evaluated: 2025-05-18. Review status: criteria provided, single submitter. Criteria: DASA Assertion Criteria. Collection method: clinical testing. Allele origin: germline.
Comment: NM_015932.6(POMP):c.265-1G>C affects a canonical splice site and is predicted to disrupt normal RNA splicing. This variant is rare in population databases. The currently available literature and clinical evidence are not sufficient to establish a definitive association between this variant and the reported condition. Therefore, this variant is classified as a variant of uncertain significance.

Mendelics
Classification: Uncertain significance. Last evaluated: 2022-05-04. Review status: criteria provided, single submitter. Criteria: Mendelics Assertion Criteria 2019. Collection method: clinical testing. Allele origin: germline.

Literature cited by the submitters: PubMed 16199547 (cited by Labcorp Genetics (formerly Invitae), Labcorp).

NM_015932.6(POMP):c.265-1G>C

Gene: POMP (proteasome maturation protein; plus strand). Cytogenetic location: 13q12.3.
Variant type: single nucleotide variant.
Coding change: c.265-1G>C on transcript NM_015932.6 (MANE Select); the canonical splice acceptor site of the intron before coding-DNA position 265, G replaced by C.
Molecular consequence: splice acceptor variant.
Genome position (GRCh38, 1-based): chr13:28,672,338, G>C. VCF-style: chr13-28672338-G-C. GRCh37 (hg19) VCF-style: chr13-29246475-G-C.
Identifiers: ClinVar variation 1685031 (VCV001685031.5), dbSNP rs1332221990, ClinGen allele CA387803884.